The following is an entry in ClinVar:

ClinVar aggregate classification (germline): Uncertain significance. Review status: criteria provided, multiple submitters, no conflicts (2 of 4 stars). 2 submissions from 2 submitters: Uncertain significance (2). Last evaluated 2025-08-09.

Conditions:
Hereditary cancer-predisposing syndrome. Also called: Hereditary neoplastic syndrome; Tumor predisposition; Neoplastic Syndromes, Hereditary; Hereditary Cancer Syndrome. Identifiers: Orphanet 140162, MedGen C0027672, MeSH D009386, MONDO:0015356.
Familial cancer of breast. Also called: hereditary breast carcinoma; Hereditary breast cancer; BREAST CANCER, FAMILIAL. Identifiers: Orphanet 227535, MedGen C0346153, MONDO:0016419, OMIM 114480. Disease mechanism: loss of function.
Fanconi anemia complementation group J. Also called: BRIP1-Related Fanconi Anemia. Identifiers: Orphanet 84, MedGen C1836860, MONDO:0012187, OMIM 609054.

Submissions (2):

Labcorp Genetics (formerly Invitae), Labcorp
Classification: Uncertain significance for Familial cancer of breast; Fanconi anemia complementation group J. Last evaluated: 2025-08-09. Review status: criteria provided, single submitter. Criteria: Invitae Variant Classification Sherloc (09022015). Collection method: clinical testing. Allele origin: germline.
Comment: This sequence change replaces arginine, which is basic and polar, with threonine, which is neutral and polar, at codon 834 of the BRIP1 protein (p.Arg834Thr). This variant is not present in population databases (gnomAD no frequency). This variant has not been reported in the literature in individuals affected with BRIP1-related conditions. ClinVar contains an entry for this variant (Variation ID: 2449935). Invitae Evidence Modeling of protein sequence and biophysical properties (such as structural, functional, and spatial information, amino acid conservation, physicochemical variation, residue mobility, and thermodynamic stability) has been performed for this missense variant. However, the output from this modeling did not meet the statistical confidence thresholds required to predict the impact of this variant on BRIP1 protein function. In summary, the available evidence is currently insufficient to determine the role of this variant in disease. Therefore, it has been classified as a Variant of Uncertain Significance.

Ambry Genetics
Classification: Uncertain significance for Hereditary cancer-predisposing syndrome. Last evaluated: 2023-01-31. Review status: criteria provided, single submitter. Criteria: Ambry Variant Classification Scheme 2023. Collection method: clinical testing. Allele origin: germline.
Comment: The p.R834T variant (also known as c.2501G>C), located in coding exon 17 of the BRIP1 gene, results from a G to C substitution at nucleotide position 2501. The arginine at codon 834 is replaced by threonine, an amino acid with similar properties. This amino acid position is conserved. In addition, this alteration is predicted to be deleterious by in silico analysis. Since supporting evidence is limited at this time, the clinical significance of this alteration remains unclear.

NM_032043.3(BRIP1):c.2501G>C (p.Arg834Thr)

Gene: BRIP1 (BRCA1 interacting DNA helicase 1; minus strand). Cytogenetic location: 17q23.2.
Variant type: single nucleotide variant.
Coding change: c.2501G>C on transcript NM_032043.3 (MANE Select); coding-DNA position 2501, G replaced by C.
Protein change: p.Arg834Thr; replaces arginine 834 with threonine.
Molecular consequence: missense variant.
Genome position (GRCh38, 1-based): chr17:61,693,504, C>G on the plus strand (G>C on the coding strand, the complement: BRIP1 is on the minus strand). VCF-style: chr17-61693504-C-G. GRCh37 (hg19) VCF-style: chr17-59770865-C-G.
Other names: short protein forms R834T.
Identifiers: ClinVar variation 2449935 (VCV002449935.3), dbSNP rs2061479079, ClinGen allele CA400482492.
Genomic context (GRCh38, chr17:61,693,504, plus strand): 5'-CTTGGGTTATTCCTAAAGCGATCATCCACTAGAATAAGAGCTCCCCAATCATTTCTGTGT[C>G]TAATACATCTAGAAAAAATAGGGAAAAAGTCAAATAATTATAACATCGGAAATAAATCCA-3'
Protein context (NP_114432.2, residues 824-844): ALNQALGRCI[Arg834Thr]HRNDWGALIL